The following is an entry in ClinVar:

ClinVar aggregate classification (germline): Uncertain significance. Review status: criteria provided, multiple submitters, no conflicts (2 of 4 stars). 4 submissions from 4 submitters: Uncertain significance (4). Last evaluated 2025-04-14.

Conditions:
Cowden syndrome 5 (CWS5). Identifiers: Orphanet 201, MedGen C3554518, MONDO:0014047, OMIM 615108.
Cowden syndrome (CS). Also called: Cowden's disease; Cowden's syndrome; Cowden disease. Identifiers: Orphanet 201, MedGen C0018553, MONDO:0016063. Disease mechanism: gain of function.
Inborn genetic diseases. Identifiers: MedGen C0950123, MeSH D030342.

Allele frequency attached by ClinVar (database versions not stated): gnomAD exomes below 0.00001 and 0.00001; ExAC 0.00001; gnomAD 0.00001; TOPMed 0.00001.
gnomAD v4.1: 9 of 1,613,662 alleles (0.00056%); highest among the groups gnomAD compares: Non-Finnish European, 0.00076%; no homozygotes.

Submissions (4):

Labcorp Genetics (formerly Invitae), Labcorp
Classification: Uncertain significance for Cowden syndrome. Last evaluated: 2025-04-14. Review status: criteria provided, single submitter. Criteria: Invitae Variant Classification Sherloc (09022015). Collection method: clinical testing. Allele origin: germline.
Comment: This sequence change replaces methionine, which is neutral and non-polar, with isoleucine, which is neutral and non-polar, at codon 318 of the PIK3CA protein (p.Met318Ile). This variant is not present in population databases (gnomAD no frequency). This variant has not been reported in the literature in individuals affected with PIK3CA-related conditions. ClinVar contains an entry for this variant (Variation ID: 577897). Invitae Evidence Modeling of protein sequence and biophysical properties (such as structural, functional, and spatial information, amino acid conservation, physicochemical variation, residue mobility, and thermodynamic stability) has been performed for this missense variant. However, the output from this modeling did not meet the statistical confidence thresholds required to predict the impact of this variant on PIK3CA protein function. In summary, the available evidence is currently insufficient to determine the role of this variant in disease. Therefore, it has been classified as a Variant of Uncertain Significance.

Regional Center For Medical Genetics Timis, Louis Turcanu Emergency Hospital for Children Timisoara
Classification: Uncertain significance for Cowden syndrome 5. Last evaluated: 2024-08-26. Review status: criteria provided, single submitter. Criteria: ACMG Guidelines, 2015. Collection method: research. Allele origin: paternal. Affected: yes. Observed: 1 heterozygote.
Comment: This variant is present in the healthy population databases with low frequency (gnomAD v4.1.0 genomes and exomes). In silico predictions for this missense variant are uncertain. The variant might have a mild splicing impact, but there is no functional data available to support this prediction. Therefore, the variant was classified of uncertain significance, with criteria for benignity (class 3), according to ACMG and ClinGen criteria.

Ambry Genetics
Classification: Uncertain significance for Inborn genetic diseases. Last evaluated: 2023-09-01. Review status: criteria provided, single submitter. Criteria: Ambry Variant Classification Scheme 2023. Collection method: clinical testing. Allele origin: germline.
Comment: The p.M318I variant (also known as c.954G>A), located in coding exon 4 of the PIK3CA gene, results from a G to A substitution at nucleotide position 954. The methionine at codon 318 is replaced by isoleucine, an amino acid with highly similar properties. This amino acid position is conserved. In addition, the in silico prediction for this alteration is inconclusive. Since supporting evidence is limited at this time, the clinical significance of this alteration remains unclear.

GeneDx
Classification: Uncertain significance. Last evaluated: 2021-04-05. Review status: criteria provided, single submitter. Criteria: GeneDx Variant Classification Process June 2021. Collection method: clinical testing. Allele origin: germline. Affected: yes.
Comment: In silico analysis supports that this missense variant does not alter protein structure/function; Has not been previously published as pathogenic or benign to our knowledge

NM_006218.4(PIK3CA):c.954G>A (p.Met318Ile)

Gene: PIK3CA (phosphatidylinositol-4,5-bisphosphate 3-kinase catalytic subunit alpha; plus strand). Cytogenetic location: 3q26.32.
Variant type: single nucleotide variant.
Coding change: c.954G>A on transcript NM_006218.4 (MANE Select); coding-DNA position 954, G replaced by A.
Protein change: p.Met318Ile; replaces methionine 318 with isoleucine.
Molecular consequence: missense variant.
Genome position (GRCh38, 1-based): chr3:179,203,684, G>A. VCF-style: chr3-179203684-G-A. GRCh37 (hg19) VCF-style: chr3-178921472-G-A.
Other names: c.954G>A (LRG_310t1); short protein forms M318I.
Identifiers: ClinVar variation 577897 (VCV000577897.17), dbSNP rs199605762, ClinGen allele CA2710611.